The following is an entry in ClinVar:

ClinVar aggregate classification (germline): Benign/Likely benign. Review status: criteria provided, multiple submitters, no conflicts (2 of 4 stars). 3 submissions from 3 submitters: Benign (1); Likely benign (2). Last evaluated 2026-05-20.

Conditions:
Hereditary cancer-predisposing syndrome. Also called: Neoplastic Syndromes, Hereditary; Tumor predisposition; Hereditary Cancer Syndrome; Hereditary neoplastic syndrome. Identifiers: Orphanet 140162, MedGen C0027672, MeSH D009386, MONDO:0015356.
Ataxia-telangiectasia syndrome (AT). Also called: LOUIS-BAR SYNDROME; Cerebello-oculocutaneous telangiectasia; Immunodeficiency with ataxia telangiectasia; Ataxia telangiectasia (A-T); Ataxia-telangiectasia, complementation group E; Ataxia-telangiectasia, complementation group D. Identifiers: Orphanet 100, MedGen C0004135, MONDO:0008840, OMIM 208900.
Familial cancer of breast. Also called: BREAST CANCER, FAMILIAL; Hereditary breast cancer; hereditary breast carcinoma. Identifiers: Orphanet 227535, MedGen C0346153, MONDO:0016419, OMIM 114480. Disease mechanism: loss of function.

Allele frequency attached by ClinVar (database versions not stated): TOPMed below 0.00001; gnomAD 0.00001.
gnomAD v4.1: 1 of 1,613,796 alleles (0.000062%); highest among the groups gnomAD compares: Non-Finnish European, 0.000085%; no homozygotes.

Submissions (3):

Ambry Genetics
Classification: Likely benign for Hereditary cancer-predisposing syndrome. Last evaluated: 2026-05-20. Review status: criteria provided, single submitter. Criteria: Ambry Variant Classification Scheme 2023. Collection method: clinical testing. Allele origin: germline.

Myriad Genetics, Inc.
Classification: Benign for Familial cancer of breast. Last evaluated: 2024-05-14. Review status: criteria provided, single submitter. Criteria: Myriad Autosomal Dominant, Autosomal Recessive and X-Linked Classification Criteria (2023). Collection method: clinical testing. Allele origin: unknown.
Comment: This variant is considered benign. This variant is a silent/synonymous amino acid change and it is not expected to impact splicing.

Labcorp Genetics (formerly Invitae), Labcorp
Classification: Likely benign for Ataxia-telangiectasia syndrome. Last evaluated: 2023-12-16. Review status: criteria provided, single submitter. Criteria: Invitae Variant Classification Sherloc (09022015). Collection method: clinical testing. Allele origin: germline.

NM_000051.4(ATM):c.3558A>G (p.Glu1186=)

Gene: ATM (ATM serine/threonine kinase; plus strand). Cytogenetic location: 11q22.3.
Variant type: single nucleotide variant.
Coding change: c.3558A>G on transcript NM_000051.4 (MANE Select); coding-DNA position 3558, A replaced by G.
Protein change: p.Glu1186=; no amino-acid change (glutamic acid 1186 retained).
Molecular consequence: synonymous variant.
Genome position (GRCh38, 1-based): chr11:108,281,150, A>G. VCF-style: chr11-108281150-A-G. GRCh37 (hg19) VCF-style: chr11-108151877-A-G.
Other names: c.3558A>G, p.Glu1186= (NM_001351834.2); c.3558A>G (NM_000051.3).
Identifiers: ClinVar variation 1132995 (VCV001132995.11), dbSNP rs12786957, ClinGen allele CA476672965.